The following is an entry in ClinVar:

ClinVar aggregate classification (germline): Conflicting classifications of pathogenicity. Review status: criteria provided, conflicting classifications (1 of 4 stars). 3 submissions from 3 submitters: Uncertain significance (2); Likely benign (1). Last evaluated 2025-02-15.

Conditions:
Ehlers-Danlos syndrome, arthrochalasia type. Also called: ARTHROCHALASIS MULTIPLEX CONGENITA; EDS VII, MUTANT PROCOLLAGEN TYPE; EDS VIIA; Ehlers-Danlos syndrome, arthrochalasis type; Ehlers-Danlos syndrome, arthrochalasia type, 1. Identifiers: Orphanet 1899, Orphanet 99875, Orphanet 99876, MedGen C4551623, MONDO:0007525, OMIM 130060.
Osteogenesis imperfecta type I (OI1). Also called: Classic Non-deforming Osteogenesis Imperfecta with Blue Sclerae; Lobstein disease; OI, TYPE I; OSTEOGENESIS IMPERFECTA TARDA; OSTEOGENESIS IMPERFECTA WITH BLUE SCLERAE; Lobstein's Disease. Identifiers: Orphanet 216796, Orphanet 666, MedGen C0023931, MONDO:0008146, OMIM 166200. Disease mechanism: loss of function.

Allele frequency attached by ClinVar (database versions not stated): gnomAD exomes 0.00001 and 0.00009; TOPMed 0.00002; ExAC 0.00014.
gnomAD v4.1: 17 of 1,603,326 alleles (0.0011%); highest among the groups gnomAD compares: East Asian, 0.034%; no homozygotes.

Submissions (3):

Labcorp Genetics (formerly Invitae), Labcorp
Classification: Likely benign for Osteogenesis imperfecta type I. Last evaluated: 2025-02-15. Review status: criteria provided, single submitter. Criteria: Invitae Variant Classification Sherloc (09022015). Collection method: clinical testing. Allele origin: germline.

Department of Pathology and Laboratory Medicine, Sinai Health System
Classification: Uncertain significance for Ehlers-Danlos syndrome, arthrochalasia type. Last evaluated: 2022-11-02. Review status: criteria provided, single submitter. Criteria: ACMG Guidelines, 2015. Collection method: research. Allele origin: germline.

GeneDx
Classification: Uncertain significance. Last evaluated: 2021-11-23. Review status: criteria provided, single submitter. Criteria: GeneDx Variant Classification Process June 2021. Collection method: clinical testing. Allele origin: germline. Affected: yes.
Comment: In silico analysis supports that this missense variant has a deleterious effect on protein structure/function; Occurs in the triple helical domain at the X position in the canonical Gly-X-Y repeat; although this variant may have an effect on normal protein folding and function, missense substitution at the X position is not a common mechanism of disease (Stenson et al., 2014); Has not been previously published as pathogenic or benign to our knowledge

NM_000088.4(COL1A1):c.2069C>T (p.Pro690Leu)

Gene: COL1A1 (collagen type I alpha 1 chain; minus strand). Cytogenetic location: 17q21.33.
Variant type: single nucleotide variant.
Coding change: c.2069C>T on transcript NM_000088.4 (MANE Select); coding-DNA position 2069, C replaced by T.
Protein change: p.Pro690Leu; replaces proline 690 with leucine.
Molecular consequence: missense variant.
Genome position (GRCh38, 1-based): chr17:50,191,846, G>A on the plus strand (C>T on the coding strand, the complement: COL1A1 is on the minus strand). VCF-style: chr17-50191846-G-A. GRCh37 (hg19) VCF-style: chr17-48269207-G-A.
Other names: short protein forms P690L.
Identifiers: ClinVar variation 798230 (VCV000798230.17), dbSNP rs760258050, ClinGen allele CA8644941.
Genomic context (GRCh38, chr17:50,191,846, plus strand): 5'-ACCTTAGCACCATCGTTGCCGGGAGCACCGTTGGCCCCTCGGGGACCAGCAGGACCAGGG[G>A]GACCTTGCACACCACGCTCGCCAGGGAAACCTCTCTCGCCCTAGAAGGGAAGGACAGGGC-3'
Protein context (NP_000079.2, residues 680-700): GFPGERGVQG[Pro690Leu]PGPAGPRGAN